The following is an entry in ClinVar:

NM_000540.3(RYR1):c.3924G>A (p.Pro1308=)

Gene: RYR1 (ryanodine receptor 1; plus strand). Cytogenetic location: 19q13.2.
Variant type: single nucleotide variant.
Coding change: c.3924G>A on transcript NM_000540.3 (MANE Select); coding-DNA position 3924, G replaced by A.
Protein change: p.Pro1308=; no amino-acid change (proline 1308 retained).
Molecular consequence: synonymous variant.
Genome position (GRCh38, 1-based): chr19:38,473,535, G>A. VCF-style: chr19-38473535-G-A. GRCh37 (hg19) VCF-style: chr19-38964175-G-A.
Other names: c.3924G>A, p.Pro1308= (NM_001042723.2).
Identifiers: ClinVar variation 478225 (VCV000478225.11), dbSNP rs144350050, ClinGen allele CA308079678.

ClinVar aggregate classification (germline): Likely benign. Review status: criteria provided, multiple submitters, no conflicts (2 of 4 stars). 3 submissions from 3 submitters: Likely benign (3). Last evaluated 2025-04-19.

Conditions:
RYR1-related disorder. Also called: RYR1-related condition; RYR1-related disorders. Identifiers: MedGen CN239331.
Malignant hyperthermia, susceptibility to, 1 (MHS1). Also called: Anesthesia related hyperthermia; Malignant hyperpyrexia; Fulminating hyperpyrexia; Pharmacogenic myopathy; Malignant hyperthermia suceptibility 1; RYR1-Related Malignant Hyperthermia Susceptibility. Identifiers: Orphanet 423, MedGen C2930980, MONDO:0007783, OMIM 145600.

Allele frequency attached by ClinVar (database versions not stated): TOPMed 0.00001.
gnomAD v4.1: 13 of 1,609,834 alleles (0.00081%); highest among the groups gnomAD compares: Admixed American, 0.0017%; no homozygotes.

Submissions (3):

Labcorp Genetics (formerly Invitae), Labcorp
Classification: Likely benign for RYR1-related disorder. Last evaluated: 2025-04-19. Review status: criteria provided, single submitter. Criteria: Invitae Variant Classification Sherloc (09022015). Collection method: clinical testing. Allele origin: germline.

All of Us Research Program, National Institutes of Health
Classification: Likely benign for Malignant hyperthermia, susceptibility to, 1. Last evaluated: 2023-06-08. Review status: criteria provided, single submitter. Criteria: ACMG Guidelines, 2015. Collection method: clinical testing. Allele origin: germline. Inheritance: Autosomal dominant inheritance. Observed: 2 variant alleles, 2 heterozygotes.
Comment: This study involves interpretation of variants in research participants for the purpose of population health screening. Participant phenotype was not available at the time of variant classification. Additional details can be found in publication PMID: 35346344, PMCID: PMC8962531

Color Diagnostics, LLC DBA Color Health
Classification: Likely benign for Malignant hyperthermia, susceptibility to, 1. Last evaluated: 2022-11-06. Review status: criteria provided, single submitter. Criteria: ACMG Guidelines, 2015. Collection method: clinical testing. Allele origin: germline.